The following is an entry in ClinVar:

NM_001372076.1(PAX9):c.181_183del (p.Asn61del)

Gene: PAX9 (paired box 9; plus strand). Cytogenetic location: 14q13.3.
Variant type: Deletion.
Coding change: c.181_183del on transcript NM_001372076.1 (MANE Select); coding-DNA positions 181 to 183, 3 bases deleted (AAC; older notation c.181_183delAAC).
Protein change: p.Asn61del; deletes asparagine 61.
Molecular consequence: inframe deletion.
Genome position (GRCh38, 1-based): chr14:36,663,073-36,663,075, AAC deleted; deleting any 3 consecutive bases within chr14:36,663,071-36,663,075 gives the same sequence; the c. name uses the placement nearest the transcript's 3' end. VCF-style (leftmost placement, unchanged base first): chr14-36663070-TACA-T. GRCh37 (hg19) VCF-style: chr14-37132275-TACA-T.
Other names: c.181_183del, p.Asn61del (NM_006194.4); short protein forms N61del.
Identifiers: ClinVar variation 4994711 (VCV004994711.1).

ClinVar aggregate classification (germline): Uncertain significance (1 of 4 stars; one submission).

Conditions:
PAX9-related disorder. Also called: PAX9-related condition.

Submission:

PreventionGenetics, part of Exact Sciences
Classification: Uncertain significance for PAX9-related condition. Last evaluated: 2026-08-04. Review status: criteria provided, single submitter. Criteria: ACMG Guidelines, 2015. Collection method: clinical testing. Allele origin: germline.
Comment: The PAX9 c.181_183delAAC variant is predicted to result in an in-frame deletion (p.Asn61del). To our knowledge, this variant has not been reported in the literature or in a large population database (gnomAD), indicating this variant is rare. At this time, the clinical significance of this variant is uncertain due to the absence of conclusive functional and genetic evidence.